The following is an entry in ClinVar:

ClinVar aggregate classification (germline): Conflicting classifications of pathogenicity. Review status: criteria provided, conflicting classifications (1 of 4 stars). 4 submissions from 4 submitters: Uncertain significance (1); Likely benign (3). Last evaluated 2026-06-03.

Conditions:
ACADVL-related disorder. Also called: ACADVL-related condition.
Very long chain acyl-CoA dehydrogenase deficiency (ACADVLD). Also called: VLCAD Deficiency; Very Long-Chain Acyl-Coenzyme A Dehydrogenase Deficiency. Identifiers: Orphanet 26793, MedGen C3887523, MONDO:0008723, OMIM 201475.

Allele frequency attached by ClinVar (database versions not stated): gnomAD exomes 0.00003 and 0.00004; TOPMed 0.00003; ExAC 0.00004; gnomAD 0.00004 and 0.00005.
gnomAD v4.1: 56 of 1,608,810 alleles (0.0035%); highest among the groups gnomAD compares: Middle Eastern, 0.022%; no homozygotes.

Submissions (4):

PreventionGenetics, part of Exact Sciences
Classification: Likely benign for ACADVL-related condition. Last evaluated: 2026-06-03. Review status: criteria provided, single submitter. Criteria: ACMG Guidelines, 2015. Collection method: clinical testing. Allele origin: germline.
Comment: This variant is classified as likely benign based on ACMG/AMP sequence variant interpretation guidelines (Richards et al. 2015 PMID: 25741868, with internal and published modifications).

Labcorp Genetics (formerly Invitae), Labcorp
Classification: Likely benign for Very long chain acyl-CoA dehydrogenase deficiency. Last evaluated: 2025-12-26. Review status: criteria provided, single submitter. Criteria: Invitae Variant Classification Sherloc (09022015). Collection method: clinical testing. Allele origin: germline.

Blueprint Genetics
Classification: Likely benign. Last evaluated: 2024-04-05. Review status: criteria provided, single submitter. Criteria: ACMG Guidelines, 2015. Collection method: clinical testing. Allele origin: germline.

Wong Mito Lab, Molecular and Human Genetics, Baylor College of Medicine
Classification: Uncertain significance for Very long chain acyl-CoA dehydrogenase deficiency. Last evaluated: 2019-11-01. Review status: criteria provided, single submitter. Criteria: ACMG Guidelines, 2015. Collection method: clinical testing. Allele origin: germline.
Comment: The NM_000018.3:c.1077+16G>A (NP_000009.1:p.?) [GRCH38: NC_000017.11:g.7222881G>A] variant in ACADVL gene is interpretated to be Uncertain Significance based on ACMG guidelines (PMID: 25741868). This variant has been reported. This variant dose not meet any evidence codes reported in the ACMG guidelines.

NM_000018.4(ACADVL):c.1077+16G>A

Gene: ACADVL (acyl-CoA dehydrogenase very long chain; plus strand). Cytogenetic location: 17p13.1.
Variant type: single nucleotide variant.
Coding change: c.1077+16G>A on transcript NM_000018.4 (MANE Select); 16 bases into the intron after coding-DNA position 1077, G replaced by A.
Molecular consequence: intron variant.
Genome position (GRCh38, 1-based): chr17:7,222,881, G>A. VCF-style: chr17-7222881-G-A. GRCh37 (hg19) VCF-style: chr17-7126200-G-A.
Other names: c.1146+16G>A (NM_001270447.2); c.849+16G>A (NM_001270448.2); c.1011+16G>A (NM_001033859.3).
Identifiers: ClinVar variation 932786 (VCV000932786.12), dbSNP rs780420241, ClinGen allele CA8337937.